The following is an entry in ClinVar:

NM_002294.3(LAMP2):c.2T>C (p.Met1Thr)

Gene: LAMP2 (lysosome associated membrane protein 2; minus strand). Cytogenetic location: Xq24.
Variant type: single nucleotide variant.
Coding change: c.2T>C on transcript NM_002294.3 (MANE Select); coding-DNA position 2, T replaced by C.
Protein change: p.Met1Thr; changes the start codon (methionine 1).
Molecular consequence: missense variant, initiator codon variant.
Genome position (GRCh38, 1-based): chrX:120,469,168, A>G on the plus strand (T>C on the coding strand, the complement: LAMP2 is on the minus strand). VCF-style: chrX-120469168-A-G. GRCh37 (hg19) VCF-style: chrX-119603023-A-G.
Other names: LGP-96; c.2T>C, p.Met1Thr (NM_001122606.1, NM_013995.2); short protein forms M1T.
Identifiers: ClinVar variation 1802161 (VCV001802161.4), dbSNP rs2520948481, ClinGen allele CA414398157.
Genomic context (GRCh38, chrX:120,469,168, plus strand): 5'-AGGACTAGGCAGACCAGAACGAGCCCTGAGCCCGGAACCGGGAAGAGGCGGAAGCACACC[A>G]TGACCCCGCAGAGCAGGCGGCGACGGCGGCGACGGCGGCGGTACAACAACAGCTGCAACA-3'
Protein context (NP_002285.1, residues 1-11): [Met1Thr]VCFRLFPVPG

ClinVar aggregate classification (germline): Likely pathogenic (1 of 4 stars; one submission).

Conditions:
Danon disease. Also called: ANTOPOL DISEASE; PSEUDOGLYCOGENOSIS II; Glycogen Storage Disease Type IIb; GSD IIb; LYSOSOMAL GLYCOGEN STORAGE DISEASE WITHOUT ACID MALTASE DEFICIENCY. Identifiers: Orphanet 34587, MedGen C0878677, MONDO:0010281, OMIM 300257.

Submission:

The Laboratory of Cardiovascular Diseases, The First Hospital of LanZhou University
Classification: Likely pathogenic for Danon disease. Last evaluated: 2022-08-15. Review status: criteria provided, single submitter. Criteria: ACMG Guidelines, 2015. Collection method: clinical testing. Allele origin: de novo. Inheritance: X-linked dominant inheritance. Affected: yes. Observed: 1 heterozygote.
Comment: LAMP2 c.2T>C;p.(Met1Thr) has not been reported in any databases. 3)The cardiac MRI and results was HCM consistent with the Danon's disease characteristics. 5) According to Matthew RG Taylor's opinion(Matthew RG Taylor, 2020) the diagnosis of Danon disease is established in a proband with suggestive findings and a heterozygous pathogenic variant in LAMP2 identified by molecular genetic testing.US ACMG guidelines classify the novel mutation as most likely pathogenic (PVS1-Moderate+PS2+PM2)